The following is an entry in ClinVar:

NM_004168.4(SDHA):c.1904G>C (p.Gly635Ala)

Gene: SDHA (succinate dehydrogenase complex flavoprotein subunit A; plus strand). Cytogenetic location: 5p15.33.
Variant type: single nucleotide variant.
Coding change: c.1904G>C on transcript NM_004168.4 (MANE Select); coding-DNA position 1904, G replaced by C.
Protein change: p.Gly635Ala; replaces glycine 635 with alanine.
Molecular consequence: missense variant.
Genome position (GRCh38, 1-based): chr5:254,502, G>C. VCF-style: chr5-254502-G-C. GRCh37 (hg19) VCF-style: chr5-254617-G-C.
Other names: c.1760G>C, p.Gly587Ala (NM_001294332.2); c.1661G>C, p.Gly554Ala (NM_001330758.2); short protein forms G554A, G635A, G587A.
Identifiers: ClinVar variation 1782362 (VCV001782362.2), dbSNP rs2477477367, ClinGen allele CA359002299.
Genomic context (GRCh38, chr5:254,502, plus strand): 5'-AGAAGCCCTTTGAGGAGCACTGGAGGAAGCACACCCTGTCCTATGTGGACGTTGGCACTG[G>C]GAAGGTCAGTGTGGAGCTCGTTCTCACCACAGCCCAGCACCCACACGGCCCCGCCCAGGC-3'
Protein context (NP_004159.2, residues 625-645): HTLSYVDVGT[Gly635Ala]KVTLEYRPVI

ClinVar aggregate classification (germline): Uncertain significance (1 of 4 stars; one submission).

Conditions:
Hereditary cancer-predisposing syndrome. Also called: Neoplastic Syndromes, Hereditary; Tumor predisposition; Hereditary Cancer Syndrome; Hereditary neoplastic syndrome. Identifiers: Orphanet 140162, MedGen C0027672, MeSH D009386, MONDO:0015356.

Submission:

Ambry Genetics
Classification: Uncertain significance for Hereditary cancer-predisposing syndrome. Last evaluated: 2021-09-30. Review status: criteria provided, single submitter. Criteria: Ambry Variant Classification Scheme 2023. Collection method: clinical testing. Allele origin: germline.
Comment: The p.G635A variant (also known as c.1904G>C), located in coding exon 14 of the SDHA gene, results from a G to C substitution at nucleotide position 1904. The glycine at codon 635 is replaced by alanine, an amino acid with similar properties. This amino acid position is highly conserved in available vertebrate species. In addition, the in silico prediction for this alteration is inconclusive. Since supporting evidence is limited at this time, the clinical significance of this alteration remains unclear.